The following is an entry in ClinVar:

ClinVar aggregate classification (germline): Uncertain significance. Review status: criteria provided, multiple submitters, no conflicts (2 of 4 stars). 2 submissions from 2 submitters: Uncertain significance (2). Last evaluated 2021-06-17.

Conditions:
Heterotaxy, visceral, 4, autosomal (HTX4). Identifiers: Orphanet 450, MedGen C3151057, MONDO:0013403, OMIM 613751.

Allele frequency attached by ClinVar (database versions not stated): gnomAD exomes below 0.00001.
gnomAD v4.1: 7 of 1,612,868 alleles (0.00043%); highest among the groups gnomAD compares: Non-Finnish European, 0.00059%; no homozygotes.

Submissions (2):

Labcorp Genetics (formerly Invitae), Labcorp
Classification: Uncertain significance for Heterotaxy, visceral, 4, autosomal. Last evaluated: 2021-06-17. Review status: criteria provided, single submitter. Criteria: Invitae Variant Classification Sherloc (09022015). Collection method: clinical testing. Allele origin: germline.
Comment: In summary, the available evidence is currently insufficient to determine the role of this variant in disease. Therefore, it has been classified as a Variant of Uncertain Significance. Algorithms developed to predict the effect of missense changes on protein structure and function are either unavailable or do not agree on the potential impact of this missense change (SIFT: "Tolerated"; PolyPhen-2: "Possibly Damaging"; Align-GVGD: "Class C0"). This variant has not been reported in the literature in individuals with ACVR2B-related conditions. This variant is not present in population databases (ExAC no frequency). This sequence change replaces methionine with leucine at codon 386 of the ACVR2B protein (p.Met386Leu). The methionine residue is highly conserved and there is a small physicochemical difference between methionine and leucine.

Baylor Genetics
Classification: Uncertain significance for Heterotaxy, visceral, 4, autosomal. Last evaluated: 2019-09-10. Review status: criteria provided, single submitter. Criteria: ACMG Guidelines, 2015. Collection method: clinical testing. Allele origin: unknown. Affected: yes.
Comment: This variant was determined to be of uncertain significance according to ACMG Guidelines, 2015 [PMID:25741868].

NM_001106.4(ACVR2B):c.1156A>C (p.Met386Leu)

Gene: ACVR2B (activin A receptor type 2B; plus strand). Cytogenetic location: 3p22.2.
Variant type: single nucleotide variant.
Coding change: c.1156A>C on transcript NM_001106.4 (MANE Select); coding-DNA position 1156, A replaced by C.
Protein change: p.Met386Leu; replaces methionine 386 with leucine.
Molecular consequence: missense variant.
Genome position (GRCh38, 1-based): chr3:38,482,279, A>C. VCF-style: chr3-38482279-A-C. GRCh37 (hg19) VCF-style: chr3-38523770-A-C.
Other names: short protein forms M386L.
Identifiers: ClinVar variation 1014085 (VCV001014085.6), dbSNP rs1346683151, ClinGen allele CA352134102.